The following is an entry in ClinVar:

NM_000051.4(ATM):c.2225A>C (p.Lys742Thr)

Gene: ATM (ATM serine/threonine kinase; plus strand). Cytogenetic location: 11q22.3.
Variant type: single nucleotide variant.
Coding change: c.2225A>C on transcript NM_000051.4 (MANE Select); coding-DNA position 2225, A replaced by C.
Protein change: p.Lys742Thr; replaces lysine 742 with threonine.
Molecular consequence: missense variant.
Genome position (GRCh38, 1-based): chr11:108,256,315, A>C. VCF-style: chr11-108256315-A-C. GRCh37 (hg19) VCF-style: chr11-108127042-A-C.
Other names: p.Lys742Thr; c.2225A>C, p.Lys742Thr (NM_001351834.2); short protein forms K742T.
Identifiers: ClinVar variation 1216113 (VCV001216113.11), dbSNP rs2135394428, ClinGen allele CA382539148.

ClinVar aggregate classification (germline): Uncertain significance. Review status: criteria provided, multiple submitters, no conflicts (2 of 4 stars). 4 submissions from 4 submitters: Uncertain significance (4). Last evaluated 2025-03-17.

Conditions:
Hereditary cancer-predisposing syndrome. Also called: Hereditary neoplastic syndrome; Neoplastic Syndromes, Hereditary; Tumor predisposition; Hereditary Cancer Syndrome. Identifiers: Orphanet 140162, MedGen C0027672, MeSH D009386, MONDO:0015356.
Ataxia-telangiectasia syndrome (AT). Also called: LOUIS-BAR SYNDROME; Ataxia telangiectasia (A-T); Cerebello-oculocutaneous telangiectasia; Immunodeficiency with ataxia telangiectasia; Ataxia-telangiectasia, complementation group E; Ataxia-telangiectasia, complementation group D. Identifiers: Orphanet 100, MedGen C0004135, MONDO:0008840, OMIM 208900.

Submissions (4):

Mayo Clinic Laboratories, Mayo Clinic
Classification: Uncertain significance. Last evaluated: 2025-03-17. Review status: criteria provided, single submitter. Criteria: ACMG Guidelines, 2015. Collection method: clinical testing. Allele origin: germline. Observed: 1 variant allele.
Comment: BP4_moderate

Ambry Genetics
Classification: Uncertain significance for Hereditary cancer-predisposing syndrome. Last evaluated: 2022-03-24. Review status: criteria provided, single submitter. Criteria: Ambry Variant Classification Scheme 2023. Collection method: clinical testing. Allele origin: germline.
Comment: The p.K742T variant (also known as c.2225A>C), located in coding exon 13 of the ATM gene, results from an A to C substitution at nucleotide position 2225. The lysine at codon 742 is replaced by threonine, an amino acid with similar properties. This amino acid position is well conserved in available vertebrate species. In addition, this alteration is predicted to be tolerated by in silico analysis. Since supporting evidence is limited at this time, the clinical significance of this alteration remains unclear.

Labcorp Genetics (formerly Invitae), Labcorp
Classification: Uncertain significance for Ataxia-telangiectasia syndrome. Last evaluated: 2021-08-31. Review status: criteria provided, single submitter. Criteria: Invitae Variant Classification Sherloc (09022015). Collection method: clinical testing. Allele origin: germline.
Comment: This sequence change replaces lysine with threonine at codon 742 of the ATM protein (p.Lys742Thr). The lysine residue is weakly conserved and there is a moderate physicochemical difference between lysine and threonine. This variant is not present in population databases (ExAC no frequency). This variant has not been reported in the literature in individuals affected with ATM-related conditions. Algorithms developed to predict the effect of missense changes on protein structure and function output the following: SIFT: "Tolerated"; PolyPhen-2: "Benign"; Align-GVGD: "Class C0". The threonine amino acid residue is found in multiple mammalian species, which suggests that this missense change does not adversely affect protein function. In summary, the available evidence is currently insufficient to determine the role of this variant in disease. Therefore, it has been classified as a Variant of Uncertain Significance.

GeneDx
Classification: Uncertain significance. Last evaluated: 2020-02-18. Review status: criteria provided, single submitter. Criteria: GeneDx Variant Classification Process June 2021. Collection method: clinical testing. Allele origin: germline. Affected: yes.
Comment: Not observed in large population cohorts (Lek et al., 2016); In silico analysis supports that this missense variant does not alter protein structure/function; Has not been previously published as pathogenic or benign to our knowledge